The following is an entry in ClinVar:

ClinVar aggregate classification (germline): Pathogenic/Likely pathogenic. Review status: criteria provided, multiple submitters, no conflicts (2 of 4 stars). 7 submissions from 7 submitters: Pathogenic (2); Likely pathogenic (4). 1 of the submissions does not count toward it. Last evaluated 2026-02-10.

Conditions:
NPC1-related disorder. Also called: NPC1-related condition.
Niemann-Pick disease, type C (NPC). Identifiers: Orphanet 646, MedGen C0220756, MONDO:0018982.
Niemann-Pick disease, type C1. Also called: NEUROVISCERAL STORAGE DISEASE WITH VERTICAL SUPRANUCLEAR OPHTHALMOPLEGIA; NIEMANN-PICK DISEASE WITH CHOLESTEROL ESTERIFICATION BLOCK; NIEMANN-PICK DISEASE WITHOUT SPHINGOMYELINASE DEFICIENCY; NIEMANN-PICK DISEASE, CHRONIC NEURONOPATHIC FORM; NIEMANN-PICK DISEASE, VARIANT TYPE C1. Identifiers: Orphanet 646, MedGen C3179455, MONDO:0009757, OMIM 257220.

Allele frequency attached by ClinVar (database versions not stated): TOPMed below 0.00001; ExAC 0.00001; gnomAD exomes 0.00001.

Submissions (7):

Myriad Genetics, Inc.
Classification: Likely pathogenic for Niemann-Pick disease, type C1. Last evaluated: 2026-02-10. Review status: criteria provided, single submitter. Criteria: Myriad Autosomal Dominant, Autosomal Recessive and X-Linked Classification Criteria (2023). Collection method: clinical testing. Allele origin: unknown.
Comment: NM_000271.4(NPC1):c.1947+5G>C is an intronic variant classified as likely pathogenic in the context of Niemann-Pick disease type C1. c.1947+5G>C has been observed in cases with relevant disease (PMID: 28328115, 35305867, 40026274 ). Relevant functional assessments of this variant are available in the literature (PMID: 30202070). c.1947+5G>C has been observed in referenced population frequency databases. In summary, NM_000271.4(NPC1):c.1947+5G>C is an intronic variant that has been observed more frequently in cases with the relevant disease than in healthy populations. Please note: this variant was assessed in the context of healthy population screening.

Labcorp Genetics (formerly Invitae), Labcorp
Classification: Pathogenic for Niemann-Pick disease, type C1. Last evaluated: 2025-07-20. Review status: criteria provided, single submitter. Criteria: Invitae Variant Classification Sherloc (09022015). Collection method: clinical testing. Allele origin: germline.
Comment: This sequence change falls in intron 12 of the NPC1 gene. It does not directly change the encoded amino acid sequence of the NPC1 protein. RNA analysis indicates that this variant induces altered splicing and likely results in the loss of 25 amino acid residue(s), but is expected to preserve the integrity of the reading-frame. The frequency data for this variant in the population databases is considered unreliable, as metrics indicate poor data quality at this position in the gnomAD database. This variant has been observed in individual(s) with Niemann-Pick Type C (PMID: 28328115). In at least one individual the data is consistent with being in trans (on the opposite chromosome) from a pathogenic variant. ClinVar contains an entry for this variant (Variation ID: 281945). Studies have shown that this variant alters NPC1 gene expression (PMID: 30202070). Variants that disrupt the consensus splice site are a relatively common cause of aberrant splicing (PMID: 17576681, 9536098). Studies have shown that this variant results in the activation of a cryptic splice site in exon 12 (PMID: 28328115). This variant disrupts a region of the NPC1 protein in which other variant(s) (p.Gly640Arg) have been determined to be pathogenic (PMID: 12955717, 27581084). This suggests that this is a clinically significant region of the protein, and that variants that disrupt it are likely to be disease-causing. For these reasons, this variant has been classified as Pathogenic.

PreventionGenetics, part of Exact Sciences
Classification: Pathogenic for NPC1-related condition. Last evaluated: 2023-08-25. Review status: criteria provided, single submitter. Criteria: ACMG Guidelines, 2015. Collection method: clinical testing. Allele origin: germline.
Comment: The NPC1 c.1947+5G>C variant is predicted to interfere with splicing. This variant has been reported in individuals with Niemann-Pick disease, type C (Salman et al. 2017. PubMed ID: 28328115; Table S1, Mazzacuva et al. 2016. PubMed ID: 27139891). In vitro functional studies demonstrate this variant affects splicing as well as has an effect on NPC1 function (Figure 1C and D, Salman et al 2017. PubMed ID: 28328115; Figure 1D, Schultz et al. 2018. PubMed ID: 30202070 ). This variant is reported in 0.0018% of alleles in individuals of European (non-Finnish) descent in gnomAD. This variant is interpreted as pathogenic.

Department of Pathology and Laboratory Medicine, Sinai Health System
Classification: Likely pathogenic for Niemann-Pick disease, type C1. Last evaluated: 2023-04-08. Review status: criteria provided, single submitter. Criteria: ACMG Guidelines, 2015. Collection method: research. Allele origin: germline.

Women's Health and Genetics/Laboratory Corporation of America, LabCorp
Classification: Likely pathogenic for Niemann-Pick disease, type C. Last evaluated: 2022-03-30. Review status: criteria provided, single submitter. Criteria: LabCorp Variant Classification Summary - May 2015. Collection method: clinical testing. Allele origin: germline.
Comment: Variant summary: NPC1 c.1947+5G>C alters a conserved nucleotide located close to a canonical splice site and therefore could affect mRNA splicing, leading to a significantly altered protein sequence. Several computational tools predict a significant impact on normal splicing: One predicts the variant abolishes a 5' splicing donor site and three predict the variant weakens a 5' donor site. Experimental evidence supports these predictions indicating the variant affects mRNA splicing (Salman_2017). The variant allele was found at a frequency of 8e-06 in 249836 control chromosomes (gnomAD). c.1947+5G>C has been reported in the literature in individuals affected with Niemann-Pick Disease (e.g. Mazzacuva_2016, Salman_2017, Schultz_2018). These data indicate that the variant may be associated with disease. Three ClinVar submitters have assessed the variant since 2014: one classified the variant as of uncertain significance, and two as likely pathogenic. Based on the evidence outlined above, the variant was classified as likely pathogenic.

Eurofins Ntd Llc (ga)
Classification: Likely pathogenic. Last evaluated: 2018-02-20. Review status: criteria provided, single submitter. Criteria: EGL ClinVar v180209 classification definitions. Collection method: clinical testing. Allele origin: germline. Observed: 2 variant alleles, 2 heterozygotes.

Counsyl
Classification: Uncertain significance for Niemann-Pick disease, type C1. Last evaluated: 2017-10-31. Review status: no assertion criteria provided. Collection method: clinical testing. Allele origin: unknown. Not counted in ClinVar's aggregate classification.

Literature cited by the submitters: PubMed 28328115 (cited by 5 submitters); PubMed 30202070 (cited by 3 submitters); PubMed 35305867 (cited by Myriad Genetics, Inc.); PubMed 40026274 (cited by Myriad Genetics, Inc.); PubMed 17576681 (cited by Labcorp Genetics (formerly Invitae), Labcorp); PubMed 9536098 (cited by Labcorp Genetics (formerly Invitae), Labcorp); PubMed 12955717 (cited by Labcorp Genetics (formerly Invitae), Labcorp); PubMed 27581084 (cited by Labcorp Genetics (formerly Invitae), Labcorp); PubMed 27139891 (cited by Women's Health and Genetics/Laboratory Corporation of America, LabCorp and Eurofins Ntd Llc (ga)).

NM_000271.5(NPC1):c.1947+5G>C

Gene: NPC1 (NPC intracellular cholesterol transporter 1; minus strand). Cytogenetic location: 18q11.2.
Variant type: single nucleotide variant.
Coding change: c.1947+5G>C on transcript NM_000271.5 (MANE Select); 5 bases into the intron after coding-DNA position 1947, G replaced by C.
Molecular consequence: intron variant.
Genome position (GRCh38, 1-based): chr18:23,544,955, C>G on the plus strand (G>C on the coding strand, the complement: NPC1 is on the minus strand). VCF-style: chr18-23544955-C-G. GRCh37 (hg19) VCF-style: chr18-21124919-C-G.
Identifiers: ClinVar variation 281945 (VCV000281945.17), dbSNP rs770321568, ClinGen allele CA8913337.